The following is an entry in ClinVar:

ClinVar aggregate classification (germline): Conflicting classifications of pathogenicity. Review status: criteria provided, conflicting classifications (1 of 4 stars). 2 submissions from 2 submitters: Pathogenic (1); Uncertain significance (1). Last evaluated 2021-07-20.

Conditions:
Duchenne muscular dystrophy (DMD). Also called: Duchenne Muscular Dystrophy (DMD); MUSCULAR DYSTROPHY, PSEUDOHYPERTROPHIC PROGRESSIVE, DUCHENNE TYPE. Identifiers: Orphanet 98896, MedGen C0013264, MONDO:0010679, OMIM 310200.

Submissions (2):

Labcorp Genetics (formerly Invitae), Labcorp
Classification: Uncertain significance for Duchenne muscular dystrophy. Last evaluated: 2021-07-20. Review status: criteria provided, single submitter. Criteria: Invitae Variant Classification Sherloc (09022015). Collection method: clinical testing. Allele origin: germline.
Comment: In summary, the available evidence is currently insufficient to determine the role of this variant in disease. Therefore, it has been classified as a Variant of Uncertain Significance. Nucleotide substitutions within the consensus splice site are a relatively common cause of aberrant splicing (PMID: 17576681, 9536098). Algorithms developed to predict the effect of sequence changes on RNA splicing suggest that this variant may disrupt the consensus splice site. ClinVar contains an entry for this variant (Variation ID: 803952). This variant has been observed in individual(s) with clinical features of DMD-related conditions (PMID: 28859693; Invitae). This variant is not present in population databases (ExAC no frequency). This sequence change falls in intron 4 of the DMD gene. It does not directly change the encoded amino acid sequence of the DMD protein. It affects a nucleotide within the consensus splice site of the intron.

Mendelics
Classification: Pathogenic for Duchenne muscular dystrophy. Last evaluated: 2019-05-28. Review status: criteria provided, single submitter. Criteria: Mendelics Assertion Criteria 2017. Collection method: clinical testing. Allele origin: unknown.

Literature cited by the submitters: PubMed 17576681 (cited by Labcorp Genetics (formerly Invitae), Labcorp); PubMed 9536098 (cited by Labcorp Genetics (formerly Invitae), Labcorp); PubMed 28859693 (cited by Labcorp Genetics (formerly Invitae), Labcorp).

NM_004006.3(DMD):c.264+5G>A

Gene: DMD (dystrophin; minus strand). Cytogenetic location: Xp21.1.
Variant type: single nucleotide variant.
Coding change: c.264+5G>A on transcript NM_004006.3 (MANE Select); 5 bases into the intron after coding-DNA position 264, G replaced by A.
Molecular consequence: intron variant.
Genome position (GRCh38, 1-based): chrX:32,844,778, C>T on the plus strand (G>A on the coding strand, the complement: DMD is on the minus strand). VCF-style: chrX-32844778-C-T. GRCh37 (hg19) VCF-style: chrX-32862895-C-T.
Other names: c.240+5G>A (NM_000109.4); c.252+5G>A (NM_004009.3); c.-106+5G>A (NM_004010.3).
Identifiers: ClinVar variation 803952 (VCV000803952.7), dbSNP rs398123902, ClinGen allele CA915951000.